The following is an entry in ClinVar:

NM_000059.4(BRCA2):c.5286_5300del (p.Tyr1762_Lys1767delinsTer)

Gene: BRCA2 (BRCA2 DNA repair associated; plus strand). Cytogenetic location: 13q13.1.
Variant type: Deletion.
Coding change: c.5286_5300del on transcript NM_000059.4 (MANE Select); coding-DNA positions 5286 to 5300, 15 bases deleted (TCTCTCAAAAAATAA).
Protein change: p.Tyr1762_Lys1767delinsTer.
Molecular consequence: nonsense.
Genome position (GRCh38, 1-based): chr13:32,339,641-32,339,655, TCTCTCAAAAAATAA deleted; deleting any 15 consecutive bases within chr13:32,339,640-32,339,655 gives the same sequence; the c. name uses the placement nearest the transcript's 3' end. VCF-style (leftmost placement, unchanged base first): chr13-32339639-TATCTCTCAAAAAATA-T. GRCh37 (hg19) VCF-style: chr13-32913776-TATCTCTCAAAAAATA-T.
Other names: c.5286_5300delTCTCTCAAAAAATAA, p.Tyr1762_Asn2101delinsTer (NM_001406719.1, NM_001406720.1); c.5286_5300del (NM_000059.3); c.5286_5300del15 (NM_000059.3).
Identifiers: ClinVar variation 1746592 (VCV001746592.5), dbSNP rs2548530402, ClinGen allele CA2580087334.

ClinVar aggregate classification (germline): Pathogenic/Likely pathogenic. Review status: criteria provided, multiple submitters, no conflicts (2 of 4 stars). 4 submissions from 4 submitters: Pathogenic (2); Likely pathogenic (2). Last evaluated 2025-04-07.

Conditions:
Hereditary cancer-predisposing syndrome. Also called: Hereditary Cancer Syndrome; Neoplastic Syndromes, Hereditary; Tumor predisposition; Hereditary neoplastic syndrome. Identifiers: Orphanet 140162, MedGen C0027672, MeSH D009386, MONDO:0015356.
Hereditary breast ovarian cancer syndrome. Also called: Breast and ovarian cancer; Hereditary breast and ovarian cancer; Hereditary breast and/or ovarian cancer syndrome; BRCA1- and BRCA2-Associated Hereditary Breast and Ovarian Cancer; Hereditary breast and ovarian cancer syndrome (HBOC); Hereditary breast and ovarian cancer syndrome. Identifiers: Orphanet 145, MedGen C0677776, MeSH D061325, MONDO:0003582. Disease mechanism: loss of function.
Familial cancer of breast. Also called: BREAST CANCER, FAMILIAL; Hereditary breast cancer; hereditary breast carcinoma. Identifiers: Orphanet 227535, MedGen C0346153, MONDO:0016419, OMIM 114480. Disease mechanism: loss of function.

Submissions (4):

Labcorp Genetics (formerly Invitae), Labcorp
Classification: Pathogenic for Hereditary breast ovarian cancer syndrome. Last evaluated: 2025-04-07. Review status: criteria provided, single submitter. Criteria: Invitae Variant Classification Sherloc (09022015). Collection method: clinical testing. Allele origin: germline.
Comment: This sequence change creates a premature translational stop signal (p.Tyr1762*) in the BRCA2 gene. It is expected to result in an absent or disrupted protein product. Loss-of-function variants in BRCA2 are known to be pathogenic (PMID: 20104584). This variant is not present in population databases (gnomAD no frequency). This variant has not been reported in the literature in individuals affected with BRCA2-related conditions. ClinVar contains an entry for this variant (Variation ID: 1746592). For these reasons, this variant has been classified as Pathogenic.

Quest Diagnostics Nichols Institute San Juan Capistrano
Classification: Likely pathogenic. Last evaluated: 2022-11-11. Review status: criteria provided, single submitter. Criteria: Quest Diagnostics criteria. Collection method: clinical testing. Allele origin: unknown.
Comment: This nonsense variant is predicted to cause the premature termination of BRCA2 protein synthesis. To the best of our knowledge, the variant has not been reported in online databases or the published literature. It also has not been reported in large, multi-ethnic general populations. Based on the available information, this variant is classified as likely pathogenic.

Baylor Genetics
Classification: Likely pathogenic for Familial cancer of breast. Last evaluated: 2022-08-21. Review status: criteria provided, single submitter. Criteria: ACMG Guidelines, 2015. Collection method: clinical testing. Allele origin: unknown.

Ambry Genetics
Classification: Pathogenic for Hereditary cancer-predisposing syndrome. Last evaluated: 2020-09-23. Review status: criteria provided, single submitter. Criteria: Ambry Variant Classification Scheme 2023. Collection method: clinical testing. Allele origin: germline.
Comment: The c.5286_5300del15 pathogenic mutation (also known as p.Y1762*), located in coding exon 10 of the BRCA2 gene, results from a deletion of 15 nucleotides at positions 5286 to 5300. This changes the amino acid from a tyrosine to a stop codon within coding exon 10. In addition to the clinical data presented in the literature, this alteration is expected to result in loss of function by premature protein truncation or nonsense-mediated mRNA decay. As such, this alteration is interpreted as a disease-causing mutation.

Literature cited by the submitters: PubMed 20104584 (cited by Labcorp Genetics (formerly Invitae), Labcorp).